The following is an entry in ClinVar:

ClinVar aggregate classification (germline): Uncertain significance (1 of 4 stars; one submission).

gnomAD v4.1: 1 of 1,613,920 alleles (0.000062%); no homozygotes.

Submission:

Labcorp Genetics (formerly Invitae), Labcorp
Classification: Uncertain significance. Last evaluated: 2024-08-14. Review status: criteria provided, single submitter. Criteria: Invitae Variant Classification Sherloc (09022015). Collection method: clinical testing. Allele origin: germline.
Comment: This sequence change replaces tyrosine, which is neutral and polar, with asparagine, which is neutral and polar, at codon 883 of the TOP2B protein (p.Tyr883Asn). This variant is not present in population databases (gnomAD no frequency). This variant has not been reported in the literature in individuals affected with TOP2B-related conditions. An algorithm developed to predict the effect of missense changes on protein structure and function (PolyPhen-2) suggests that this variant is likely to be disruptive. In summary, the available evidence is currently insufficient to determine the role of this variant in disease. Therefore, it has been classified as a Variant of Uncertain Significance.

NM_001330700.2(TOP2B):c.2662T>A (p.Tyr888Asn)

Gene: TOP2B (DNA topoisomerase II beta; minus strand). Cytogenetic location: 3p24.2.
Variant type: single nucleotide variant.
Coding change: c.2662T>A on transcript NM_001330700.2 (MANE Select); coding-DNA position 2662, T replaced by A.
Protein change: p.Tyr888Asn; replaces tyrosine 888 with asparagine.
Molecular consequence: missense variant.
Genome position (GRCh38, 1-based): chr3:25,623,580, A>T on the plus strand (T>A on the coding strand, the complement: TOP2B is on the minus strand). VCF-style: chr3-25623580-A-T. GRCh37 (hg19) VCF-style: chr3-25665071-A-T.
Other names: c.2647T>A, p.Tyr883Asn (NM_001068.3); short protein forms Y883N, Y888N.
Identifiers: ClinVar variation 3615774 (VCV003615774.2).
Genomic context (GRCh38, chr3:25,623,580, plus strand): 5'-GATGAGGATCCAGGCCATCTAGCATTCGTCTGACATTGTTCACAATTTCCCTAGCATCAT[A>T]GTTGGGTAGTTTACAAGCCCATCCAGTACCAATGCCCTCAGCACCATTTATTAAAACCAT-3'
Protein context (NP_001317629.1, residues 878-898): GTGWACKLPN[Tyr888Asn]DAREIVNNVR